The following is an entry in ClinVar:

NC_000002.12:g.(?_190970683)_(190970737_?)dup

Gene: STAT1 (signal transducer and activator of transcription 1; minus strand). Cytogenetic location: 2q32.2.
Variant type: Duplication.
Identifiers: ClinVar variation 832334 (VCV000832334.4).

ClinVar aggregate classification (germline): Uncertain significance (1 of 4 stars; one submission).

Conditions:
Mendelian susceptibility to mycobacterial diseases due to partial STAT1 deficiency. Also called: Immunodeficiency 31a; IMMUNODEFICIENCY 31A, MYCOBACTERIOSIS, AUTOSOMAL DOMINANT; STAT1 DEFICIENCY, AUTOSOMAL DOMINANT. Identifiers: Orphanet 319595, MedGen C4013950, MONDO:0013956, OMIM 614892.
Immunodeficiency 31B. Also called: IMMUNODEFICIENCY 31B, MYCOBACTERIAL AND VIRAL INFECTIONS, AUTOSOMAL RECESSIVE; STAT1 DEFICIENCY, AUTOSOMAL RECESSIVE. Identifiers: Orphanet 391311, MedGen C3151088, MONDO:0013427, OMIM 613796.
Autoimmune enteropathy and endocrinopathy - susceptibility to chronic infections syndrome. Also called: Immunodeficiency 31C; Immunodeficiency 31C, autosomal dominant. Identifiers: Orphanet 391487, MedGen C3279990, MONDO:0013599, OMIM 614162.

Submission:

Labcorp Genetics (formerly Invitae), Labcorp
Classification: Uncertain significance for Mendelian susceptibility to mycobacterial diseases due to partial STAT1 deficiency; Immunodeficiency 31B; Autoimmune enteropathy and endocrinopathy - susceptibility to chronic infections syndrome. Last evaluated: 2019-11-21. Review status: criteria provided, single submitter. Criteria: Invitae Variant Classification Sherloc (09022015). Collection method: clinical testing. Allele origin: germline.
Comment: In summary, the available evidence is currently insufficient to determine the role of this variant in disease. Therefore, it has been classified as a Variant of Uncertain Significance. This variant has not been reported in the literature in individuals with STAT1-related conditions. This variant results in a copy number gain of the genomic region encompassing the full coding sequence of the STAT1 gene. The boundaries of this event are unknown as they extend beyond the assayed region for this gene and therefore may encompass additional genes. As the precise location of this event is unknown, it may be in tandem or it may be located elsewhere in the genome.